The following is an entry in ClinVar:

NM_006767.4(LZTR1):c.594-1G>A

Gene: LZTR1 (leucine zipper like post translational regulator 1; plus strand). Cytogenetic location: 22q11.21.
Variant type: single nucleotide variant.
Coding change: c.594-1G>A on transcript NM_006767.4 (MANE Select); the canonical splice acceptor site of the intron before coding-DNA position 594, G replaced by A.
Molecular consequence: splice acceptor variant.
Genome position (GRCh38, 1-based): chr22:20,989,624, G>A. VCF-style: chr22-20989624-G-A. GRCh37 (hg19) VCF-style: chr22-21343913-G-A.
Identifiers: ClinVar variation 3238314 (VCV003238314.3), dbSNP rs1401166273.

ClinVar aggregate classification (germline): Pathogenic/Likely pathogenic. Review status: criteria provided, multiple submitters, no conflicts (2 of 4 stars). 2 submissions from 2 submitters: Pathogenic (1); Likely pathogenic (1). Last evaluated 2026-01-19.

Conditions:
Hereditary cancer-predisposing syndrome. Also called: Neoplastic Syndromes, Hereditary; Tumor predisposition; Hereditary neoplastic syndrome; Hereditary Cancer Syndrome. Identifiers: Orphanet 140162, MedGen C0027672, MeSH D009386, MONDO:0015356.
Cardiovascular phenotype. Identifiers: MedGen CN230736.

Submissions (2):

Labcorp Genetics (formerly Invitae), Labcorp
Classification: Likely pathogenic. Last evaluated: 2026-01-19. Review status: criteria provided, single submitter. Criteria: Invitae Variant Classification Sherloc (09022015). Collection method: clinical testing. Allele origin: germline.
Comment: This sequence change affects an acceptor splice site in intron 6 of the LZTR1 gene. It is expected to disrupt RNA splicing. Variants that disrupt the donor or acceptor splice site typically lead to a loss of protein function (PMID: 16199547), and loss-of-function variants in LZTR1 are known to be pathogenic (PMID: 24362817, 25335493, 25480913, 25795793, 29469822, 30368668, 30442762, 30442766, 30481304, 30859559). This variant is not present in population databases (gnomAD no frequency). This variant has not been reported in the literature in individuals affected with LZTR1-related conditions. ClinVar contains an entry for this variant (Variation ID: 3238314). Algorithms developed to predict the effect of sequence changes on RNA splicing suggest that this variant may disrupt the consensus splice site. In summary, the currently available evidence indicates that the variant is pathogenic, but additional data are needed to prove that conclusively. Therefore, this variant has been classified as Likely Pathogenic.

Ambry Genetics
Classification: Pathogenic for Cardiovascular phenotype; Hereditary cancer-predisposing syndrome. Last evaluated: 2023-11-16. Review status: criteria provided, single submitter. Criteria: Ambry Variant Classification Scheme 2023. Collection method: clinical testing. Allele origin: germline.
Comment: The c.594-1G>A intronic variant results from a G to A substitution one nucleotide upstream from coding exon 7 of the LZTR1 gene. This variant is considered to be rare based on population cohorts in the Genome Aggregation Database (gnomAD). This nucleotide position is highly conserved in available vertebrate species. In silico splice site analysis predicts that this alteration will weaken the native splice acceptor site. RNA studies have demonstrated that this alteration results in abnormal splicing in the set of samples tested (Ambry internal data). Another alteration impacting the same acceptor site (c.594-3C>G) has been shown to have a similar impact on splicing (Ambry internal data) and detected in a patient with schwannomatosis with loss of heterozygosity at the LZTR1 locus and a somatic NF2 mutation detected in a schwannoma (Piotrowski A et al. Nat Genet, 2014 Feb;46:182-7). Loss-of-function variants in LZTR1 are related to an increased risk for schwannomas and autosomal recessive Noonan syndrome; however, such associations with autosomal dominant Noonan syndrome have not been observed (Piotrowski A et al. Nat Genet. 2014 Feb;46:182-7; Yamamoto GL et al. J Med Genet. 2015 Jun;52:413-21; Johnston JJ et al. Genet Med. 2018 10;20:1175-1185). Based on the supporting evidence, this variant is pathogenic for an increased risk of LZTR1-related schwannomatosis (SWN) and would be expected to cause autosomal recessive Noonan syndrome when present along with a second pathogenic or likely pathogenic variant on the other allele; however, the association of this alteration with autosomal dominant Noonan syndrome is unlikely.

Literature cited by the submitters: PubMed 16199547 (cited by Labcorp Genetics (formerly Invitae), Labcorp); PubMed 24362817 (cited by Labcorp Genetics (formerly Invitae), Labcorp); PubMed 25335493 (cited by Labcorp Genetics (formerly Invitae), Labcorp); PubMed 25480913 (cited by Labcorp Genetics (formerly Invitae), Labcorp); PubMed 25795793 (cited by Labcorp Genetics (formerly Invitae), Labcorp); PubMed 29469822 (cited by Labcorp Genetics (formerly Invitae), Labcorp); PubMed 30368668 (cited by Labcorp Genetics (formerly Invitae), Labcorp); PubMed 30442762 (cited by Labcorp Genetics (formerly Invitae), Labcorp); PubMed 30442766 (cited by Labcorp Genetics (formerly Invitae), Labcorp); PubMed 30481304 (cited by Labcorp Genetics (formerly Invitae), Labcorp); PubMed 30859559 (cited by Labcorp Genetics (formerly Invitae), Labcorp).